The following is an entry in ClinVar:

NM_130837.3(OPA1):c.2416G>A (p.Ala806Thr)

Gene: OPA1 (OPA1 mitochondrial dynamin like GTPase; plus strand). Cytogenetic location: 3q29.
Variant type: single nucleotide variant.
Coding change: c.2416G>A on transcript NM_130837.3 (MANE Select); coding-DNA position 2416, G replaced by A.
Protein change: p.Ala806Thr; replaces alanine 806 with threonine.
Molecular consequence: missense variant.
Genome position (GRCh38, 1-based): chr3:193,658,971, G>A. VCF-style: chr3-193658971-G-A. GRCh37 (hg19) VCF-style: chr3-193376760-G-A.
Other names: c.1882G>A, p.Ala628Thr (NM_001354663.2); c.1879G>A, p.Ala627Thr (NM_001354664.2); c.2251G>A, p.Ala751Thr (NM_015560.3); c.2143G>A, p.Ala715Thr (NM_130831.3); c.2197G>A, p.Ala733Thr (NM_130832.3); c.2254G>A, p.Ala752Thr (NM_130833.3); c.2305G>A, p.Ala769Thr (NM_130834.3); c.2308G>A, p.Ala770Thr (NM_130835.3); and 1 more; short protein forms A806T, A628T, A751T, A752T, A733T, A770T, A788T, A627T.
Identifiers: ClinVar variation 1984333 (VCV001984333.4), dbSNP rs376321869, ClinGen allele CA2759642.

ClinVar aggregate classification (germline): Uncertain significance (1 of 4 stars; one submission).

Allele frequency attached by ClinVar (database versions not stated): ExAC 0.00001; gnomAD exomes 0.00001; TOPMed 0.00001; gnomAD 0.00002; ESP Exome Variant Server 0.00008.
gnomAD v4.1: 15 of 1,613,108 alleles (0.00093%); highest among the groups gnomAD compares: Non-Finnish European, 0.0013%; no homozygotes.

Submission:

Labcorp Genetics (formerly Invitae), Labcorp
Classification: Uncertain significance. Last evaluated: 2025-11-04. Review status: criteria provided, single submitter. Criteria: Invitae Variant Classification Sherloc (09022015). Collection method: clinical testing. Allele origin: germline.
Comment: This sequence change replaces alanine, which is neutral and non-polar, with threonine, which is neutral and polar, at codon 751 of the OPA1 protein (p.Ala751Thr). This variant is present in population databases (rs376321869, gnomAD 0.0009%). This variant has not been reported in the literature in individuals affected with OPA1-related conditions. ClinVar contains an entry for this variant (Variation ID: 1984333). Invitae Evidence Modeling of protein sequence and biophysical properties (such as structural, functional, and spatial information, amino acid conservation, physicochemical variation, residue mobility, and thermodynamic stability) indicates that this missense variant is not expected to disrupt OPA1 protein function with a negative predictive value of 80%. In summary, the available evidence is currently insufficient to determine the role of this variant in disease. Therefore, it has been classified as a Variant of Uncertain Significance.